The following is an entry in ClinVar:

NM_002303.6(LEPR):c.316A>T (p.Ile106Phe)

Gene: LEPR (leptin receptor; plus strand). Cytogenetic location: 1p31.3.
Variant type: single nucleotide variant.
Coding change: c.316A>T on transcript NM_002303.6 (MANE Select); coding-DNA position 316, A replaced by T.
Protein change: p.Ile106Phe; replaces isoleucine 106 with phenylalanine.
Molecular consequence: missense variant.
Genome position (GRCh38, 1-based): chr1:65,570,748, A>T. VCF-style: chr1-65570748-A-T. GRCh37 (hg19) VCF-style: chr1-66036431-A-T.
Other names: c.316A>T, p.Ile106Phe (NM_001003679.3, NM_001003680.3, NM_001198687.2 and 2 more transcripts); short protein forms I106F.
Identifiers: ClinVar variation 4978054 (VCV004978054.1).

ClinVar aggregate classification (germline): Uncertain significance (1 of 4 stars; one submission).

Conditions:
LEPR-related disorder. Also called: LEPR-related condition; LEPR-related disorders.

gnomAD v4.1: 6 of 1,590,074 alleles (0.00038%); highest among the groups gnomAD compares: African/African-American, 0.0081%; no homozygotes.

Submission:

PreventionGenetics, part of Exact Sciences
Classification: Uncertain significance for LEPR-related condition. Last evaluated: 2026-07-21. Review status: criteria provided, single submitter. Criteria: ACMG Guidelines, 2015. Collection method: clinical testing. Allele origin: germline.
Comment: The LEPR c.316A>T variant is predicted to result in the amino acid substitution p.Ile106Phe. This variant was observed in a cohort of individuals with obesity, and in vitro functional studies showed function similar to wild-type levels (Supplemental Data Set, Shah et al. 2023. PubMed ID: 36864747). This variant is reported in 0.016% of alleles in individuals of African descent in gnomAD. At this time, the clinical significance of this variant is uncertain due to the absence of conclusive functional and genetic evidence.